The following is an entry in ClinVar:

NM_000083.3(CLCN1):c.707T>C (p.Val236Ala)

Gene: CLCN1 (chloride voltage-gated channel 1; plus strand). Cytogenetic location: 7q34.
Variant type: single nucleotide variant.
Coding change: c.707T>C on transcript NM_000083.3 (MANE Select); coding-DNA position 707, T replaced by C.
Protein change: p.Val236Ala; replaces valine 236 with alanine.
Molecular consequence: missense variant. On other transcripts: non-coding transcript variant (1).
Genome position (GRCh38, 1-based): chr7:143,323,319, T>C. VCF-style: chr7-143323319-T-C. GRCh37 (hg19) VCF-style: chr7-143020412-T-C.
Other names: short protein forms V236A.
Identifiers: ClinVar variation 420697 (VCV000420697.14), dbSNP rs1064794643, ClinGen allele CA16618364.

ClinVar aggregate classification (germline): Conflicting classifications of pathogenicity. Review status: criteria provided, conflicting classifications (1 of 4 stars). 3 submissions from 3 submitters: Likely pathogenic (1); Uncertain significance (2). Last evaluated 2025-10-24.

Conditions:
Congenital myotonia, autosomal recessive form. Also called: myotonia congenita, autosomal recessive; BECKER DISEASE; Becker Generalized Myotonia. Identifiers: Orphanet 614, MedGen C0751360, MONDO:0009715, OMIM 255700.
Congenital myotonia, autosomal dominant form (THD). Also called: THOMSEN DISEASE; Myotonia congenita autosomal dominant. Identifiers: Orphanet 614, MedGen C2936781, MONDO:0008055, OMIM 160800.

Submissions (3):

Women's Health and Genetics/Laboratory Corporation of America, LabCorp
Classification: Uncertain significance. Last evaluated: 2025-10-24. Review status: criteria provided, single submitter. Criteria: LabCorp Variant Classification Summary - May 2015. Collection method: clinical testing. Allele origin: germline.
Comment: Variant summary: CLCN1 c.707T>C (p.Val236Ala) results in a non-conservative amino acid change in the encoded protein sequence. Algorithms developed to predict the effect of missense changes on protein structure and function all suggest that this variant is likely to be disruptive. The variant was absent in 251160 control chromosomes. The available data on variant occurrences in the general population are insufficient to allow any conclusion about variant significance. To our knowledge, no occurrence of c.707T>C in individuals affected with CLCN1-related conditions and no experimental evidence demonstrating its impact on protein function have been reported. ClinVar contains an entry for this variant (Variation ID: 420697). Based on the evidence outlined above, the variant was classified as uncertain significance.

Labcorp Genetics (formerly Invitae), Labcorp
Classification: Uncertain significance for Congenital myotonia, autosomal recessive form; Congenital myotonia, autosomal dominant form. Last evaluated: 2023-11-08. Review status: criteria provided, single submitter. Criteria: Invitae Variant Classification Sherloc (09022015). Collection method: clinical testing. Allele origin: germline.
Comment: This sequence change replaces valine, which is neutral and non-polar, with alanine, which is neutral and non-polar, at codon 236 of the CLCN1 protein (p.Val236Ala). This variant is not present in population databases (gnomAD no frequency). This missense change has been observed in individual(s) with autosomal recessive myotonia congenita (external communication). ClinVar contains an entry for this variant (Variation ID: 420697). Advanced modeling of protein sequence and biophysical properties (such as structural, functional, and spatial information, amino acid conservation, physicochemical variation, residue mobility, and thermodynamic stability) performed at Invitae indicates that this missense variant is expected to disrupt CLCN1 protein function with a positive predictive value of 95%. This variant disrupts the p.Val236 amino acid residue in CLCN1. Other variant(s) that disrupt this residue have been observed in individuals with CLCN1-related conditions (PMID: 9736777), which suggests that this may be a clinically significant amino acid residue. In summary, the available evidence is currently insufficient to determine the role of this variant in disease. Therefore, it has been classified as a Variant of Uncertain Significance.

GeneDx
Classification: Likely pathogenic. Last evaluated: 2019-09-16. Review status: criteria provided, single submitter. Criteria: GeneDx Variant Classification Process June 2021. Collection method: clinical testing. Allele origin: germline. Affected: yes.
Comment: Not observed in large population cohorts (Lek et al., 2016); In silico analysis, which includes protein predictors and evolutionary conservation, supports a deleterious effect; Has not been previously published as pathogenic or benign to our knowledge

Literature cited by the submitters: PubMed 9736777 (cited by Labcorp Genetics (formerly Invitae), Labcorp).